The following is an entry in ClinVar:

ClinVar aggregate classification (germline): Uncertain significance. Review status: criteria provided, multiple submitters, no conflicts (2 of 4 stars). 5 submissions from 4 submitters: Uncertain significance (5). Last evaluated 2024-12-10.

Conditions:
Inborn genetic diseases. Identifiers: MedGen C0950123, MeSH D030342.
Seckel syndrome 1 (SCKL1). Also called: MICROCEPHALIC PRIMORDIAL DWARFISM I. Identifiers: Orphanet 808, MedGen C4551474, MONDO:0008869, OMIM 210600.
Familial cutaneous telangiectasia and oropharyngeal predisposition cancer syndrome. Identifiers: Orphanet 313846, MedGen C3281203, MONDO:0013806, OMIM 614564.

Allele frequency attached by ClinVar (database versions not stated): gnomAD exomes 0.00001 and 0.00002; ExAC 0.00002.
gnomAD v4.1: 34 of 1,611,586 alleles (0.0021%); highest among the groups gnomAD compares: Non-Finnish European, 0.0028%; no homozygotes.

Submissions (5):

Labcorp Genetics (formerly Invitae), Labcorp
Classification: Uncertain significance. Last evaluated: 2024-12-10. Review status: criteria provided, single submitter. Criteria: Invitae Variant Classification Sherloc (09022015). Collection method: clinical testing. Allele origin: germline.
Comment: This sequence change replaces tyrosine, which is neutral and polar, with cysteine, which is neutral and slightly polar, at codon 628 of the ATR protein (p.Tyr628Cys). This variant is present in population databases (rs769300741, gnomAD 0.004%). This variant has not been reported in the literature in individuals affected with ATR-related conditions. ClinVar contains an entry for this variant (Variation ID: 900025). An algorithm developed to predict the effect of missense changes on protein structure and function outputs the following: PolyPhen-2: "Benign". The cysteine amino acid residue is found in multiple mammalian species, which suggests that this missense change does not adversely affect protein function. In summary, the available evidence is currently insufficient to determine the role of this variant in disease. Therefore, it has been classified as a Variant of Uncertain Significance.

Genome-Nilou Lab
Classification: Uncertain significance for Seckel syndrome 1. Last evaluated: 2023-02-08. Review status: criteria provided, single submitter. Criteria: ACMG Guidelines, 2015. Collection method: clinical testing. Allele origin: germline.

Genome-Nilou Lab
Classification: Uncertain significance for Familial cutaneous telangiectasia and oropharyngeal predisposition cancer syndrome. Last evaluated: 2023-02-08. Review status: criteria provided, single submitter. Criteria: ACMG Guidelines, 2015. Collection method: clinical testing. Allele origin: germline.

Ambry Genetics
Classification: Uncertain significance for Inborn genetic diseases. Last evaluated: 2021-09-04. Review status: criteria provided, single submitter. Criteria: Ambry Variant Classification Scheme 2023. Collection method: clinical testing. Allele origin: germline.
Comment: The p.Y628C variant (also known as c.1883A>G), located in coding exon 8 of the ATR gene, results from an A to G substitution at nucleotide position 1883. The tyrosine at codon 628 is replaced by cysteine, an amino acid with highly dissimilar properties. This amino acid position is conserved. In addition, this alteration is predicted to be tolerated by in silico analysis. Since supporting evidence is limited at this time, the clinical significance of this alteration remains unclear.

Illumina Laboratory Services, Illumina
Classification: Uncertain significance for Seckel syndrome 1. Last evaluated: 2018-01-13. Review status: criteria provided, single submitter. Criteria: ICSL Variant Classification Criteria 13 December 2019. Collection method: clinical testing. Allele origin: germline.

NM_001184.4(ATR):c.1883A>G (p.Tyr628Cys)

Gene: ATR (ATR checkpoint kinase; minus strand). Cytogenetic location: 3q23.
Variant type: single nucleotide variant.
Coding change: c.1883A>G on transcript NM_001184.4 (MANE Select); coding-DNA position 1883, A replaced by G.
Protein change: p.Tyr628Cys; replaces tyrosine 628 with cysteine.
Molecular consequence: missense variant.
Genome position (GRCh38, 1-based): chr3:142,558,626, T>C on the plus strand (A>G on the coding strand, the complement: ATR is on the minus strand). VCF-style: chr3-142558626-T-C. GRCh37 (hg19) VCF-style: chr3-142277468-T-C.
Other names: c.1691A>G, p.Tyr564Cys (NM_001354579.2); short protein forms Y564C, Y628C.
Identifiers: ClinVar variation 900025 (VCV000900025.10), dbSNP rs769300741, ClinGen allele CA2650498.